The following is an entry in ClinVar:

NM_016247.4(IMPG2):c.1188A>G (p.Leu396=)

Gene: IMPG2 (interphotoreceptor matrix proteoglycan 2; minus strand). Cytogenetic location: 3q12.3.
Variant type: single nucleotide variant.
Coding change: c.1188A>G on transcript NM_016247.4 (MANE Select); coding-DNA position 1188, A replaced by G.
Protein change: p.Leu396=; no amino-acid change (leucine 396 retained).
Molecular consequence: synonymous variant.
Genome position (GRCh38, 1-based): chr3:101,253,747, T>C on the plus strand (A>G on the coding strand, the complement: IMPG2 is on the minus strand). VCF-style: chr3-101253747-T-C. GRCh37 (hg19) VCF-style: chr3-100972591-T-C.
Other names: c.1188A>G (NM_016247.3).
Identifiers: ClinVar variation 1634348 (VCV001634348.9), dbSNP rs542620598, ClinGen allele CA79733150.

ClinVar aggregate classification (germline): Likely benign. Review status: criteria provided, multiple submitters, no conflicts (2 of 4 stars). 2 submissions from 2 submitters: Likely benign (2). Last evaluated 2026-06-15.

Conditions:
IMPG2-related disorder. Also called: IMPG2-related condition.

Allele frequency attached by ClinVar (database versions not stated): gnomAD exomes 0.00001; TOPMed 0.00001; gnomAD 0.00002 and 0.00003.
gnomAD v4.1: 21 of 1,611,812 alleles (0.0013%); highest among the groups gnomAD compares: Non-Finnish European, 0.0018%; no homozygotes.

Submissions (2):

PreventionGenetics, part of Exact Sciences
Classification: Likely benign for IMPG2-related condition. Last evaluated: 2026-06-15. Review status: criteria provided, single submitter. Criteria: ACMG Guidelines, 2015. Collection method: clinical testing. Allele origin: germline.
Comment: This variant is classified as likely benign based on ACMG/AMP sequence variant interpretation guidelines (Richards et al. 2015 PMID: 25741868, with internal and published modifications).

Labcorp Genetics (formerly Invitae), Labcorp
Classification: Likely benign. Last evaluated: 2021-08-05. Review status: criteria provided, single submitter. Criteria: Invitae Variant Classification Sherloc (09022015). Collection method: clinical testing. Allele origin: germline.